The following is an entry in ClinVar:

ClinVar aggregate classification (germline): Uncertain significance (1 of 4 stars; one submission).

Allele frequency attached by ClinVar (database versions not stated): TOPMed 0.00001.

Submission:

Labcorp Genetics (formerly Invitae), Labcorp
Classification: Uncertain significance. Last evaluated: 2024-01-31. Review status: criteria provided, single submitter. Criteria: Invitae Variant Classification Sherloc (09022015). Collection method: clinical testing. Allele origin: germline.
Comment: This sequence change replaces proline, which is neutral and non-polar, with leucine, which is neutral and non-polar, at codon 1033 of the PDZD7 protein (p.Pro1033Leu). This variant is not present in population databases (gnomAD no frequency). This variant has not been reported in the literature in individuals affected with PDZD7-related conditions. ClinVar contains an entry for this variant (Variation ID: 1035782). Algorithms developed to predict the effect of missense changes on protein structure and function output the following: SIFT: "Not Available"; PolyPhen-2: "Not Available"; Align-GVGD: "Not Available". The leucine amino acid residue is found in multiple mammalian species, which suggests that this missense change does not adversely affect protein function. In summary, the available evidence is currently insufficient to determine the role of this variant in disease. Therefore, it has been classified as a Variant of Uncertain Significance.

NM_001195263.2(PDZD7):c.3098C>T (p.Pro1033Leu)

Gene: PDZD7 (PDZ domain containing 7; minus strand). Cytogenetic location: 10q24.31.
Variant type: single nucleotide variant.
Coding change: c.3098C>T on transcript NM_001195263.2 (MANE Select); coding-DNA position 3098, C replaced by T.
Protein change: p.Pro1033Leu; replaces proline 1033 with leucine.
Molecular consequence: missense variant.
Genome position (GRCh38, 1-based): chr10:101,008,471, G>A on the plus strand (C>T on the coding strand, the complement: PDZD7 is on the minus strand). VCF-style: chr10-101008471-G-A. GRCh37 (hg19) VCF-style: chr10-102768228-G-A.
Other names: short protein forms P1033L.
Identifiers: ClinVar variation 1035782 (VCV001035782.8), dbSNP rs1852287724, ClinGen allele CA378222700.